The following is an entry in ClinVar:

NM_018136.5(ASPM):c.8893dup (p.Tyr2965fs)

Gene: ASPM (assembly factor for spindle microtubules; minus strand). Cytogenetic location: 1q31.3.
Variant type: Duplication.
Coding change: c.8893dup on transcript NM_018136.5 (MANE Select); coding-DNA position 8893, one base duplicated (T; older notation c.8893dupT).
Protein change: p.Tyr2965fs; shifts the reading frame from tyrosine 2965.
Molecular consequence: frameshift variant.
Genome position (GRCh38, 1-based): chr1:197,096,092, A duplicated on the plus strand (T on the coding strand, the reverse complement: ASPM is on the minus strand). VCF-style (leftmost placement, unchanged base first): chr1-197096091-T-TA. GRCh37 (hg19) VCF-style: chr1-197065221-T-TA.
Other names: c.4138dup, p.Tyr1380fs (NM_001206846.2); short protein forms Y2965fs, Y1380fs.
Identifiers: ClinVar variation 4778699 (VCV004778699.1).

ClinVar aggregate classification (germline): Pathogenic (1 of 4 stars; one submission).

Submission:

Labcorp Genetics (formerly Invitae), Labcorp
Classification: Pathogenic. Last evaluated: 2025-12-24. Review status: criteria provided, single submitter. Criteria: Invitae Variant Classification Sherloc (09022015). Collection method: clinical testing. Allele origin: germline.
Comment: This sequence change creates a premature translational stop signal (p.Tyr2965Leufs*2) in the ASPM gene. It is expected to result in an absent or disrupted protein product. Loss-of-function variants in ASPM are known to be pathogenic (PMID: 19028728, 23611254). This variant is not present in population databases (gnomAD no frequency). This variant has not been reported in the literature in individuals affected with ASPM-related conditions. For these reasons, this variant has been classified as Pathogenic.

Literature cited by the submitters: PubMed 19028728; PubMed 23611254.